The following is an entry in ClinVar:

NM_022336.4(EDAR):c.1090del (p.Tyr364fs)

Genes: EDAR (ectodysplasin A receptor; minus strand), RANBP2 (RAN binding protein 2; plus strand). Cytogenetic location: 2q13.
Variant type: Deletion.
Coding change: c.1090del on transcript NM_022336.4 (MANE Select); coding-DNA position 1090, one base deleted (T; older notation c.1090delT).
Protein change: p.Tyr364fs; shifts the reading frame from tyrosine 364.
Molecular consequence: frameshift variant.
Genome position (GRCh38, 1-based): chr2:108,897,164, A deleted on the plus strand (T on the coding strand, the reverse complement: EDAR is on the minus strand). VCF-style (leftmost placement, unchanged base first): chr2-108897163-TA-T. GRCh37 (hg19) VCF-style: chr2-109513619-TA-T.
Other names: short protein forms Y364fs.
Identifiers: ClinVar variation 3759646 (VCV003759646.2).

ClinVar aggregate classification (germline): Pathogenic (1 of 4 stars; one submission).

Conditions:
Ectodermal dysplasia 10A, hypohidrotic/hair/nail type, autosomal dominant (ECTD10A). Also called: Ectodermal Dysplasia 3, Anhidrotic. Identifiers: Orphanet 1810, Orphanet 238468, MedGen C3888065, MONDO:0007509, OMIM 129490.
Autosomal recessive hypohidrotic ectodermal dysplasia syndrome. Also called: Autosomal recessive hypohidrotic ectodermal dysplasia. Identifiers: Orphanet 248, MedGen C0406702, MONDO:0016619.

Submission:

Labcorp Genetics (formerly Invitae), Labcorp
Classification: Pathogenic for Ectodermal dysplasia 10A, hypohidrotic/hair/nail type, autosomal dominant; Autosomal recessive hypohidrotic ectodermal dysplasia syndrome. Last evaluated: 2024-10-30. Review status: criteria provided, single submitter. Criteria: Invitae Variant Classification Sherloc (09022015). Collection method: clinical testing. Allele origin: germline.
Comment: This sequence change creates a premature translational stop signal (p.Tyr364Thrfs*8) in the EDAR gene. While this is not anticipated to result in nonsense mediated decay, it is expected to disrupt the last 85 amino acid(s) of the EDAR protein. This variant is not present in population databases (gnomAD no frequency). This variant has not been reported in the literature in individuals affected with EDAR-related conditions. This variant disrupts a region of the EDAR protein in which other variant(s) (p.Trp434*) have been determined to be pathogenic (PMID: 32325225). This suggests that this is a clinically significant region of the protein, and that variants that disrupt it are likely to be disease-causing. For these reasons, this variant has been classified as Pathogenic.

Literature cited by the submitters: PubMed 32325225.